The following is an entry in ClinVar:

ClinVar aggregate classification (germline): Likely benign (1 of 4 stars; one submission).

gnomAD v4.1: 1 of 1,604,750 alleles (0.000062%); highest among the groups gnomAD compares: Admixed American, 0.0017%; no homozygotes.

Submission:

GeneDx
Classification: Likely benign. Last evaluated: 2018-01-30. Review status: criteria provided, single submitter. Criteria: GeneDx Variant Classification (06012015). Collection method: clinical testing. Allele origin: germline. Affected: yes.
Comment: This variant is considered likely benign or benign based on one or more of the following criteria: it is a conservative change, it occurs at a poorly conserved position in the protein, it is predicted to be benign by multiple in silico algorithms, and/or has population frequency not consistent with disease.

NM_152701.5(ABCA13):c.11134-12A>C

Gene: ABCA13 (ATP binding cassette subfamily A member 13; plus strand). Cytogenetic location: 7p12.3.
Variant type: single nucleotide variant.
Coding change: c.11134-12A>C on transcript NM_152701.5 (MANE Select); 12 bases into the intron before coding-DNA position 11134, A replaced by C.
Molecular consequence: intron variant.
Genome position (GRCh38, 1-based): chr7:48,374,335, A>C. VCF-style: chr7-48374335-A-C. GRCh37 (hg19) VCF-style: chr7-48413932-A-C.
Identifiers: ClinVar variation 515192 (VCV000515192.1), dbSNP rs375905468, ClinGen allele CA658796934.